The following is an entry in ClinVar:

ClinVar aggregate classification (germline): Uncertain significance (1 of 4 stars; one submission).

Allele frequency attached by ClinVar (database versions not stated): gnomAD exomes below 0.00001 and 0.00001; TOPMed 0.00002.

Submission:

GeneDx
Classification: Uncertain significance. Last evaluated: 2021-01-07. Review status: criteria provided, single submitter. Criteria: GeneDx Variant Classification Process June 2021. Collection method: clinical testing. Allele origin: germline. Affected: yes.
Comment: Not observed at a significant frequency in large population cohorts (Lek et al., 2016); Has not been previously published as pathogenic or benign to our knowledge

NM_000080.4(CHRNE):c.1127G>A (p.Gly376Asp)

Gene: CHRNE (cholinergic receptor nicotinic epsilon subunit; minus strand). Cytogenetic location: 17p13.2.
Variant type: single nucleotide variant.
Coding change: c.1127G>A on transcript NM_000080.4 (MANE Select); coding-DNA position 1127, G replaced by A.
Protein change: p.Gly376Asp; replaces glycine 376 with aspartic acid.
Molecular consequence: missense variant.
Genome position (GRCh38, 1-based): chr17:4,899,290, C>T on the plus strand (G>A on the coding strand, the complement: CHRNE is on the minus strand). VCF-style: chr17-4899290-C-T. GRCh37 (hg19) VCF-style: chr17-4802585-C-T.
Other names: short protein forms G376D.
Identifiers: ClinVar variation 1304256 (VCV001304256.2), dbSNP rs932632375, ClinGen allele CA287180087.
Genomic context (GRCh38, chr17:4,899,290, plus strand): 5'-TCAAACACGAGCTCGCTCCGTGGCTTTTTCAGTATCAGCTCCTCCGCGCGGAGCAATAAG[C>T]CCACCGACGACGCCCGCCTTGGGGGCGAGGCGGCCCGGGGGGCCTCGGGCGGCGGCGGGG-3'
Protein context (NP_000071.1, residues 366-386): ASPPRRASSV[Gly376Asp]LLLRAEELIL